The following is an entry in ClinVar:

ClinVar aggregate classification (germline): Conflicting classifications of pathogenicity. Review status: criteria provided, conflicting classifications (1 of 4 stars). 6 submissions from 6 submitters: Uncertain significance (5); Likely benign (1). Last evaluated 2026-08-01.

Conditions:
Cardiovascular phenotype. Identifiers: MedGen CN230736.
Dilated cardiomyopathy 1JJ (CMD1JJ). Identifiers: Orphanet 154, MedGen C3808935, MONDO:0014095, OMIM 615235.

Allele frequency attached by ClinVar (database versions not stated): gnomAD 0.00009 and 0.00011; TOPMed 0.00016.
gnomAD v4.1: 31 of 1,613,936 alleles (0.0019%); highest among the groups gnomAD compares: African/African-American, 0.028%; no homozygotes.

Submissions (6):

CeGaT Center for Human Genetics Tuebingen
Classification: Likely benign. Last evaluated: 2026-08-01. Review status: criteria provided, single submitter. Criteria: CeGaT Center For Human Genetics Tuebingen Variant Classification Criteria Version 2. Collection method: clinical testing. Allele origin: germline. Affected: yes. Observed: 1 variant allele.
Comment: LAMA4: BP4

Labcorp Genetics (formerly Invitae), Labcorp
Classification: Uncertain significance for Dilated cardiomyopathy 1JJ. Last evaluated: 2025-10-29. Review status: criteria provided, single submitter. Criteria: Invitae Variant Classification Sherloc (09022015). Collection method: clinical testing. Allele origin: germline.
Comment: This sequence change replaces arginine, which is basic and polar, with histidine, which is basic and polar, at codon 1775 of the LAMA4 protein (p.Arg1775His). This variant is present in population databases (rs782638314, gnomAD 0.04%). This variant has not been reported in the literature in individuals affected with LAMA4-related conditions. ClinVar contains an entry for this variant (Variation ID: 453104). Invitae Evidence Modeling of protein sequence and biophysical properties (such as structural, functional, and spatial information, amino acid conservation, physicochemical variation, residue mobility, and thermodynamic stability) indicates that this missense variant is not expected to disrupt LAMA4 protein function with a negative predictive value of 80%. In summary, the available evidence is currently insufficient to determine the role of this variant in disease. Therefore, it has been classified as a Variant of Uncertain Significance.

Dasa
Classification: Uncertain significance. Last evaluated: 2025-06-18. Review status: criteria provided, single submitter. Criteria: DASA Assertion Criteria. Collection method: clinical testing. Allele origin: germline.
Comment: NM_001105206.3(LAMA4):c.5345G>A (p.Arg1782His) is a missense variant that results in the substitution of arginine with histidine. This variant is rare in population databases. Computational prediction algorithms are consistent with a benign effect. The currently available literature and clinical evidence are not sufficient to establish a definitive association between this variant and the reported condition. Therefore, this variant is classified as a variant of uncertain significance.

Ambry Genetics
Classification: Uncertain significance for Cardiovascular phenotype. Last evaluated: 2024-06-12. Review status: criteria provided, single submitter. Criteria: Ambry Variant Classification Scheme 2023. Collection method: clinical testing. Allele origin: germline.
Comment: The p.R1775H variant (also known as c.5324G>A), located in coding exon 38 of the LAMA4 gene, results from a G to A substitution at nucleotide position 5324. The arginine at codon 1775 is replaced by histidine, an amino acid with highly similar properties. This amino acid position is not well conserved in available vertebrate species. In addition, this alteration is predicted to be tolerated by in silico analysis. The evidence for this gene-disease relationship is limited; therefore, the clinical significance of this alteration is unclear.

GeneDx
Classification: Uncertain significance. Last evaluated: 2024-04-15. Review status: criteria provided, single submitter. Criteria: GeneDx Variant Classification Process June 2021. Collection method: clinical testing. Allele origin: germline. Affected: yes.
Comment: Has not been previously published as pathogenic or benign to our knowledge; In silico analysis indicates that this missense variant does not alter protein structure/function

Fulgent Genetics
Classification: Uncertain significance for Dilated cardiomyopathy 1JJ. Last evaluated: 2021-10-06. Review status: criteria provided, single submitter. Criteria: ACMG Guidelines, 2015. Collection method: clinical testing. Allele origin: unknown.

NM_001105206.3(LAMA4):c.5345G>A (p.Arg1782His)

Gene: LAMA4 (laminin subunit alpha 4; minus strand). Cytogenetic location: 6q21.
Variant type: single nucleotide variant.
Coding change: c.5345G>A on transcript NM_001105206.3 (MANE Select); coding-DNA position 5345, G replaced by A.
Protein change: p.Arg1782His; replaces arginine 1782 with histidine.
Molecular consequence: missense variant.
Genome position (GRCh38, 1-based): chr6:112,109,564, C>T on the plus strand (G>A on the coding strand, the complement: LAMA4 is on the minus strand). VCF-style: chr6-112109564-C-T. GRCh37 (hg19) VCF-style: chr6-112430767-C-T.
Other names: c.5324G>A, p.Arg1775His (NM_001105207.3, NM_002290.5); c.5324G>A (LRG_433t2); short protein forms R1775H, R1782H.
Identifiers: ClinVar variation 453104 (VCV000453104.20), dbSNP rs782638314, ClinGen allele CA3964732.
Genomic context (GRCh38, chr6:112,109,564, plus strand): 5'-GGGTGTCCATCAATCACAAAGTGGCGTATGCAGCCTGTGAAGGGTTTGCTGGGGGCCAAG[C>T]GTGGTGTCAGTAGAGATTCTGAAAAGAGCAAGAAATAAAAACAAAGATTGCAATTGAGGT-3'
Protein context (NP_001098676.2, residues 1772-1792): GGVPESLLTP[Arg1782His]LAPSKPFTGC